The following is an entry in ClinVar:

NM_007294.4(BRCA1):c.5278-573C>T

Gene: BRCA1 (BRCA1 DNA repair associated; minus strand). Cytogenetic location: 17q21.31.
Variant type: single nucleotide variant.
Coding change: c.5278-573C>T on transcript NM_007294.4 (MANE Select); 573 bases into the intron before coding-DNA position 5278, C replaced by T.
Molecular consequence: intron variant.
Genome position (GRCh38, 1-based): chr17:43,051,690, G>A on the plus strand (C>T on the coding strand, the complement: BRCA1 is on the minus strand). VCF-style: chr17-43051690-G-A. GRCh37 (hg19) VCF-style: chr17-41203707-G-A.
Other names: IVS 20-573C>T; c.1843-573C>T (NM_001408440.1, NM_001408433.1, NM_001408441.1 and 10 more transcripts); c.1846-573C>T (NM_001408428.1, NM_001408429.1, NM_001408426.1 and 4 more transcripts); c.5152-573C>T (NM_001407678.1, NM_001407673.1, NM_001407674.1 and 10 more transcripts); c.5155-573C>T (NM_001407666.1, NM_001407937.1, NM_001407669.1 and 5 more transcripts); c.1852-573C>T (NM_001408418.1, NM_001408420.1, NM_001408419.1); c.1966-573C>T (NM_001407981.1, NM_007298.4, NM_001407986.1 and 12 more transcripts); c.1969-573C>T (NM_001407978.1, NM_001407977.1, NM_001407976.1 and 3 more transcripts); and 75 more.
Identifiers: ClinVar variation 209261 (VCV000209261.2), dbSNP rs143338062, ClinGen allele CA276233.

ClinVar aggregate classification (germline): Benign (3 of 4 stars; one submission).

Conditions:
Breast-ovarian cancer, familial, susceptibility to, 1 (BROVCA1). Also called: BRCA1 Hereditary Breast and Ovarian Cancer; OVARIAN CANCER, SUSCEPTIBILITY TO. Identifiers: Orphanet 145, MedGen C2676676, MONDO:0011450, OMIM 604370. Disease mechanism: loss of function.

Allele frequency attached by ClinVar (database versions not stated): 1000 Genomes Project 30x 0.00219; 1000 Genomes Project 0.00220; gnomAD 0.00240 and 0.00261; TOPMed 0.00265.
gnomAD v4.1: 357 of 150,658 alleles (0.24%); highest among the groups gnomAD compares: African/African-American, 0.84%; 2 homozygotes.

Submission:

Evidence-based Network for the Interpretation of Germline Mutant Alleles (ENIGMA)
Classification: Benign for Breast-ovarian cancer, familial 1. Last evaluated: 2015-01-12. Review status: reviewed by expert panel. Criteria: ENIGMA BRCA1/2 Classification Criteria (2015). Collection method: curation. Allele origin: germline.
Comment: Class 1 not pathogenic based on frequency >1% in an outbred sampleset. Frequency 0.01626 (African), derived from 1000 genomes (2012-04-30).